The following is an entry in ClinVar:

NM_001040108.2(MLH3):c.3256G>C (p.Ala1086Pro)

Gene: MLH3 (mutL homolog 3; minus strand). Cytogenetic location: 14q24.3.
Variant type: single nucleotide variant.
Coding change: c.3256G>C on transcript NM_001040108.2 (MANE Select); coding-DNA position 3256, G replaced by C.
Protein change: p.Ala1086Pro; replaces alanine 1086 with proline.
Molecular consequence: missense variant.
Genome position (GRCh38, 1-based): chr14:75,046,400, C>G on the plus strand (G>C on the coding strand, the complement: MLH3 is on the minus strand). VCF-style: chr14-75046400-C-G. GRCh37 (hg19) VCF-style: chr14-75513103-C-G.
Other names: c.3256G>C, p.Ala1086Pro (NM_014381.3); short protein forms A1086P.
Identifiers: ClinVar variation 3873480 (VCV003873480.1).

ClinVar aggregate classification (germline): Uncertain significance (1 of 4 stars; one submission).

Submission:

Ambry Genetics
Classification: Uncertain significance. Last evaluated: 2024-12-20. Review status: criteria provided, single submitter. Criteria: Ambry Variant Classification Scheme 2023. Collection method: clinical testing. Allele origin: germline.
Comment: The p.A1086P variant (also known as c.3256G>C), located in coding exon 1 of the MLH3 gene, results from a G to C substitution at nucleotide position 3256. The alanine at codon 1086 is replaced by proline, an amino acid with highly similar properties. This amino acid position is conserved. In addition, the in silico prediction for this alteration is inconclusive. Based on the available evidence, the clinical significance of this variant remains unclear.